The following is an entry in ClinVar:

ClinVar aggregate classification (germline): Conflicting classifications of pathogenicity. Review status: criteria provided, conflicting classifications (1 of 4 stars). 3 submissions from 3 submitters: Uncertain significance (2); Likely benign (1). Last evaluated 2024-07-03.

Conditions:
Hereditary cancer-predisposing syndrome. Also called: Tumor predisposition; Hereditary Cancer Syndrome; Hereditary neoplastic syndrome; Neoplastic Syndromes, Hereditary. Identifiers: Orphanet 140162, MedGen C0027672, MeSH D009386, MONDO:0015356.
Rhabdoid tumor predisposition syndrome 2 (RTPS2). Identifiers: Orphanet 231108, Orphanet 69077, MedGen C2750074, MONDO:0013224, OMIM 613325.

Allele frequency attached by ClinVar (database versions not stated): ExAC 0.00010.

Submissions (3):

Ambry Genetics
Classification: Likely benign for Hereditary cancer-predisposing syndrome. Last evaluated: 2024-07-03. Review status: criteria provided, single submitter. Criteria: Ambry Variant Classification Scheme 2023. Collection method: clinical testing. Allele origin: germline.

Baylor Genetics
Classification: Uncertain significance for Rhabdoid tumor predisposition syndrome 2. Last evaluated: 2023-09-29. Review status: criteria provided, single submitter. Criteria: ACMG Guidelines, 2015. Collection method: clinical testing. Allele origin: unknown.

Labcorp Genetics (formerly Invitae), Labcorp
Classification: Uncertain significance for Rhabdoid tumor predisposition syndrome 2. Last evaluated: 2023-09-06. Review status: criteria provided, single submitter. Criteria: Invitae Variant Classification Sherloc (09022015). Collection method: clinical testing. Allele origin: germline.
Comment: In summary, the available evidence is currently insufficient to determine the role of this variant in disease. Therefore, it has been classified as a Variant of Uncertain Significance. Advanced modeling of protein sequence and biophysical properties (such as structural, functional, and spatial information, amino acid conservation, physicochemical variation, residue mobility, and thermodynamic stability) performed at Invitae indicates that this missense variant is not expected to disrupt SMARCA4 protein function. ClinVar contains an entry for this variant (Variation ID: 537832). This variant has not been reported in the literature in individuals affected with SMARCA4-related conditions. This variant is not present in population databases (gnomAD no frequency). This sequence change replaces glutamic acid, which is acidic and polar, with aspartic acid, which is acidic and polar, at codon 672 of the SMARCA4 protein (p.Glu672Asp).

NM_003072.5(SMARCA4):c.2016G>C (p.Glu672Asp)

Gene: SMARCA4 (SWI/SNF related BAF chromatin remodeling complex subunit ATPase 4; plus strand). Cytogenetic location: 19p13.2.
Variant type: single nucleotide variant.
Coding change: c.2016G>C on transcript NM_003072.5 (MANE Select); coding-DNA position 2016, G replaced by C.
Protein change: p.Glu672Asp; replaces glutamic acid 672 with aspartic acid.
Molecular consequence: missense variant. On other transcripts: non-coding transcript variant (1).
Genome position (GRCh38, 1-based): chr19:11,007,916, G>C. VCF-style: chr19-11007916-G-C. GRCh37 (hg19) VCF-style: chr19-11118592-G-C.
Other names: c.2016G>C, p.Glu672Asp (NM_001128844.3, NM_001128845.2, NM_001128846.2 and 5 more transcripts); short protein forms E672D.
Identifiers: ClinVar variation 537832 (VCV000537832.12), dbSNP rs772356536, ClinGen allele CA9203988.